The following is an entry in ClinVar:

NM_000827.4(GRIA1):c.2605A>G (p.Ser869Gly)

Gene: GRIA1 (glutamate ionotropic receptor AMPA type subunit 1; plus strand). Cytogenetic location: 5q33.2.
Variant type: single nucleotide variant.
Coding change: c.2605A>G on transcript NM_000827.4 (MANE Select); coding-DNA position 2605, A replaced by G.
Protein change: p.Ser869Gly; replaces serine 869 with glycine.
Molecular consequence: missense variant. On other transcripts: non-coding transcript variant (2).
Genome position (GRCh38, 1-based): chr5:153,811,109, A>G. VCF-style: chr5-153811109-A-G. GRCh37 (hg19) VCF-style: chr5-153190669-A-G.
Other names: c.2605A>G, p.Ser869Gly (NM_001114183.2); c.2365A>G, p.Ser789Gly (NM_001258019.2); c.2320A>G, p.Ser774Gly (NM_001258020.2); c.2635A>G, p.Ser879Gly (NM_001258021.2, NM_001258022.2); c.2398A>G, p.Ser800Gly (NM_001258023.1, NM_001364167.2); c.2437A>G, p.Ser813Gly (NM_001364165.2); c.2632A>G, p.Ser878Gly (NM_001364166.2); short protein forms S774G, S789G, S800G, S813G, S869G, S878G, S879G.
Identifiers: ClinVar variation 4881038 (VCV004881038.2).
Genomic context (GRCh38, chr5:153,811,109, plus strand): 5'-TCCATCAACGAAGCCATACGGACATCGACCCTCCCCCGCAACAGCGGGGCAGGAGCCAGC[A>G]GCGGCGGCAGTGGAGAGAATGGTCGGGTGGTCAGCCATGACTTCCCCAAGTCCATGCAAT-3'
Protein context (NP_000818.2, residues 859-879): LPRNSGAGAS[Ser869Gly]GGSGENGRVV

ClinVar aggregate classification (germline): Uncertain significance (1 of 4 stars; one submission).

Conditions:
Intellectual developmental disorder, autosomal dominant 67 (MRD67). Also called: MENTAL RETARDATION, AUTOSOMAL DOMINANT 67. Identifiers: MedGen C5677006, MONDO:0030964, OMIM 619927.

gnomAD v4.1: 4 of 1,614,060 alleles (0.00025%); highest among the groups gnomAD compares: Non-Finnish European, 0.00025%; no homozygotes.

Submission:

Dasa
Classification: Uncertain significance for Intellectual developmental disorder, autosomal dominant 67. Last evaluated: 2025-11-25. Review status: criteria provided, single submitter. Criteria: DASA Assertion Criteria. Collection method: clinical testing. Allele origin: germline.
Comment: NM_000827.4(GRIA1):c.2605A>G (p.Ser869Gly) is a missense variant that results in the substitution of serine with glycine. This variant is rare in population databases. Computational prediction algorithms are consistent with a benign effect. The currently available literature and clinical evidence are not sufficient to establish a definitive association between this variant and the reported condition. Therefore, this variant is classified as a variant of uncertain significance.